The following is an entry in ClinVar:

NM_001077350.3(NPRL3):c.398A>T (p.Asn133Ile)

Genes: HBA-LCR (alpha-globin locus control region; plus strand), NPRL3 (NPR3 like, GATOR1 complex subunit; minus strand). Cytogenetic location: 16p13.3.
Variant type: single nucleotide variant.
Coding change: c.398A>T on transcript NM_001077350.3 (MANE Select); coding-DNA position 398, A replaced by T.
Protein change: p.Asn133Ile; replaces asparagine 133 with isoleucine.
Molecular consequence: missense variant. On other transcripts: 5 prime UTR variant (1).
Genome position (GRCh38, 1-based): chr16:112,771, T>A on the plus strand (A>T on the coding strand, the complement: NPRL3 is on the minus strand). VCF-style: chr16-112771-T-A. GRCh37 (hg19) VCF-style: chr16-162770-T-A.
Other names: c.-140A>T (NM_001039476.3); c.164A>T, p.Asn55Ile (NM_001243247.2); c.323A>T, p.Asn108Ile (NM_001243248.2, NM_001243249.2); short protein forms N108I, N133I, N55I.
Identifiers: ClinVar variation 3362159 (VCV003362159.1).

ClinVar aggregate classification (germline): Uncertain significance (1 of 4 stars; one submission).

gnomAD v4.1: 1 of 1,598,082 alleles (0.000063%); highest among the groups gnomAD compares: Non-Finnish European, 0.000086%; no homozygotes.

Submission:

GeneDx
Classification: Uncertain significance. Last evaluated: 2023-05-26. Review status: criteria provided, single submitter. Criteria: GeneDx Variant Classification Process June 2021. Collection method: clinical testing. Allele origin: germline. Affected: yes.
Comment: Not observed at significant frequency in large population cohorts (gnomAD); In silico analysis supports that this missense variant has a deleterious effect on protein structure/function; Has not been previously published as pathogenic or benign to our knowledge